The following is an entry in ClinVar:

NM_000245.4(MET):c.2964T>A (p.Ser988Arg)

Gene: MET (MET proto-oncogene, receptor tyrosine kinase; plus strand). Cytogenetic location: 7q31.2.
Variant type: single nucleotide variant.
Coding change: c.2964T>A on transcript NM_000245.4 (MANE Select); coding-DNA position 2964, T replaced by A.
Protein change: p.Ser988Arg; replaces serine 988 with arginine.
Molecular consequence: missense variant.
Genome position (GRCh38, 1-based): chr7:116,771,925, T>A. VCF-style: chr7-116771925-T-A. GRCh37 (hg19) VCF-style: chr7-116411979-T-A.
Other names: c.3018T>A, p.Ser1006Arg (NM_001127500.3); c.1674T>A, p.Ser558Arg (NM_001324402.2); short protein forms S1006R, S558R, S988R.
Identifiers: ClinVar variation 5024422 (VCV005024422.1).
Genomic context (GRCh38, chr7:116,771,925, plus strand): 5'-AGTTCGCTACGATGCAAGAGTACACACTCCTCATTTGGATAGGCTTGTAAGTGCCCGAAG[T>A]GTAAGCCCAACTACAGAAATGGTTTCAAATGAATCTGTAGACTACCGAGCTACTTTTCCA-3'
Protein context (NP_000236.2, residues 978-998): PHLDRLVSAR[Ser988Arg]VSPTTEMVSN

ClinVar aggregate classification (germline): Uncertain significance (1 of 4 stars; one submission).

Conditions:
Hereditary cancer-predisposing syndrome. Also called: Neoplastic Syndromes, Hereditary; Tumor predisposition; Hereditary neoplastic syndrome; Hereditary Cancer Syndrome. Identifiers: Orphanet 140162, MedGen C0027672, MeSH D009386, MONDO:0015356.

Submission:

Ambry Genetics
Classification: Uncertain significance for Hereditary cancer-predisposing syndrome. Last evaluated: 2026-08-15. Review status: criteria provided, single submitter. Criteria: Ambry Variant Classification Scheme 2023. Collection method: clinical testing. Allele origin: germline.
Comment: The p.S1006R variant (also known as c.3018T>A), located in coding exon 13 of the MET gene, results from a T to A substitution at nucleotide position 3018. The serine at codon 1006 is replaced by arginine, an amino acid with dissimilar properties. This amino acid position is conserved. In addition, the in silico prediction for this alteration is inconclusive. Based on the available evidence, the clinical significance of this variant remains unclear.